The following is an entry in ClinVar:

NM_001283009.2(RTEL1):c.3034G>T (p.Ala1012Ser)

Genes: RTEL1 (regulator of telomere elongation helicase 1; plus strand), RTEL1-TNFRSF6B (RTEL1-TNFRSF6B readthrough (NMD candidate); plus strand). Cytogenetic location: 20q13.33.
Variant type: single nucleotide variant.
Coding change: c.3034G>T on transcript NM_001283009.2 (MANE Select); coding-DNA position 3034, G replaced by T.
Protein change: p.Ala1012Ser; replaces alanine 1012 with serine.
Molecular consequence: missense variant. On other transcripts: non-coding transcript variant (1).
Genome position (GRCh38, 1-based): chr20:63,694,413, G>T. VCF-style: chr20-63694413-G-T. GRCh37 (hg19) VCF-style: chr20-62325766-G-T.
Other names: c.2365G>T, p.Ala789Ser (NM_001283010.1); c.3034G>T, p.Ala1012Ser (NM_016434.4); c.3106G>T, p.Ala1036Ser (NM_032957.5); short protein forms A1012S, A1036S, A789S.
Identifiers: ClinVar variation 2150026 (VCV002150026.4), dbSNP rs1472236209, ClinGen allele CA409684461.

ClinVar aggregate classification (germline): Uncertain significance. Review status: criteria provided, multiple submitters, no conflicts (2 of 4 stars). 2 submissions from 2 submitters: Uncertain significance (2). Last evaluated 2025-08-16.

Conditions:
Inborn genetic diseases. Identifiers: MedGen C0950123, MeSH D030342.
Pulmonary fibrosis and/or bone marrow failure, Telomere-related, 3. Also called: PULMONARY FIBROSIS AND/OR BONE MARROW FAILURE SYNDROME, TELOMERE-RELATED, 3. Identifiers: Orphanet 2032, MedGen C4225346, MONDO:0014613, OMIM 616373.
Dyskeratosis congenita, autosomal recessive 5 (DKCB5). Identifiers: MedGen C3554656, MONDO:0014076, OMIM 615190.

Allele frequency attached by ClinVar (database versions not stated): gnomAD exomes 0.00005; gnomAD 0.00001; TOPMed below 0.00001.

Submissions (2):

Labcorp Genetics (formerly Invitae), Labcorp
Classification: Uncertain significance for Dyskeratosis congenita, autosomal recessive 5; Pulmonary fibrosis and/or bone marrow failure, Telomere-related, 3. Last evaluated: 2025-08-16. Review status: criteria provided, single submitter. Criteria: Invitae Variant Classification Sherloc (09022015). Collection method: clinical testing. Allele origin: germline.
Comment: This sequence change replaces alanine, which is neutral and non-polar, with serine, which is neutral and polar, at codon 1012 of the RTEL1 protein (p.Ala1012Ser). This variant is present in population databases (no rsID available, gnomAD 0.002%). This variant has not been reported in the literature in individuals affected with RTEL1-related conditions. ClinVar contains an entry for this variant (Variation ID: 2150026). An algorithm developed to predict the effect of missense changes on protein structure and function (PolyPhen-2) suggests that this variant is likely to be tolerated. In summary, the available evidence is currently insufficient to determine the role of this variant in disease. Therefore, it has been classified as a Variant of Uncertain Significance.

Ambry Genetics
Classification: Uncertain significance for Inborn genetic diseases. Last evaluated: 2024-12-06. Review status: criteria provided, single submitter. Criteria: Ambry Variant Classification Scheme 2023. Collection method: clinical testing. Allele origin: germline.
Comment: The p.A1012S variant (also known as c.3034G>T), located in coding exon 30 of the RTEL1 gene, results from a G to T substitution at nucleotide position 3034. The alanine at codon 1012 is replaced by serine, an amino acid with similar properties. This amino acid position is conserved. In addition, this alteration is predicted to be tolerated by in silico analysis. Based on the available evidence, the clinical significance of this variant remains unclear.